The following is an entry in ClinVar:

ClinVar aggregate classification (germline): Benign/Likely benign. Review status: criteria provided, multiple submitters, no conflicts (2 of 4 stars). 10 submissions from 10 submitters: Benign (5); Likely benign (1). 4 of the submissions do not count toward it. Last evaluated 2026-09-01.

Conditions:
Hypophosphatemic nephrolithiasis/osteoporosis 2. Identifiers: Orphanet 244305, MedGen C2676782, MONDO:0012851, OMIM 612287.

Allele frequency attached by ClinVar (database versions not stated): 1000 Genomes Project 30x 0.00593; 1000 Genomes Project 0.00599; gnomAD exomes 0.02645 and 0.01478; TOPMed 0.01613; gnomAD 0.01619 and 0.01664; ExAC 0.01657.
gnomAD v4.1: 38,801 of 1,533,822 alleles (2.5%); highest among the groups gnomAD compares: Non-Finnish European, 3.1%; 619 homozygotes.

Submissions (10):

CeGaT Center for Human Genetics Tuebingen
Classification: Benign. Last evaluated: 2026-09-01. Review status: criteria provided, single submitter. Criteria: CeGaT Center For Human Genetics Tuebingen Variant Classification Criteria Version 2. Collection method: clinical testing. Allele origin: germline. Affected: yes. Observed: 42 variant alleles.
Comment: NHERF1: BS1, BS2

Labcorp Genetics (formerly Invitae), Labcorp
Classification: Benign. Last evaluated: 2026-01-31. Review status: criteria provided, single submitter. Criteria: Invitae Variant Classification Sherloc (09022015). Collection method: clinical testing. Allele origin: germline.

Mendelics
Classification: Benign for Hypophosphatemic nephrolithiasis/osteoporosis 2. Last evaluated: 2025-02-04. Review status: criteria provided, single submitter. Criteria: Mendelics Assertion Criteria 2017. Collection method: clinical testing. Allele origin: unknown.
Comment: Variant NM_004252.5(NHERF1):c.328C>G (p.Leu110Val) is an old submission that was updated given new versions of GnomAD. It has GnomAD 4.1.0 frequency of 0.02530 with 619 homozygotes. It was found internally in patients with different phenotypes explained by other variants. Applied assertion criteria redefined it as Benign.

Blueprint Genetics
Classification: Likely benign. Last evaluated: 2024-11-25. Review status: criteria provided, single submitter. Criteria: ACMG Guidelines, 2015. Collection method: clinical testing. Allele origin: germline.

Mayo Clinic Laboratories, Mayo Clinic
Classification: Benign. Last evaluated: 2023-06-02. Review status: criteria provided, single submitter. Criteria: ACMG Guidelines, 2015. Collection method: clinical testing. Allele origin: germline. Observed: 7 variant alleles.
Comment: BS1, BS2, BP4

GeneDx
Classification: Benign. Last evaluated: 2019-07-15. Review status: criteria provided, single submitter. Criteria: GeneDx Variant Classification Process June 2021. Collection method: clinical testing. Allele origin: germline. Affected: yes.
Comment: This variant is associated with the following publications: (PMID: 31672324, 18784102, 26787776, 25333069, 22995991, 31171716, 29275531)

OMIM
Classification: Pathogenic for NEPHROLITHIASIS/OSTEOPOROSIS, HYPOPHOSPHATEMIC, 2. Last evaluated: 2008-09-11. Review status: no assertion criteria provided. Collection method: literature only. Allele origin: germline. Not counted in ClinVar's aggregate classification.

Diagnostic Laboratory, Department of Genetics, University Medical Center Groningen
Classification: Benign for Hypophosphatemic nephrolithiasis/osteoporosis 2. Review status: no assertion criteria provided. Collection method: clinical testing. Allele origin: germline. Affected: yes. Study: VKGL Data-share Consensus. Not counted in ClinVar's aggregate classification.

Genome Diagnostics Laboratory, University Medical Center Utrecht
Classification: Benign. Review status: no assertion criteria provided. Collection method: clinical testing. Allele origin: germline. Affected: yes. Study: VKGL Data-share Consensus. Not counted in ClinVar's aggregate classification.

Joint Genome Diagnostic Labs from Nijmegen and Maastricht, Radboudumc and MUMC+
Classification: Likely benign. Review status: no assertion criteria provided. Collection method: clinical testing. Allele origin: germline. Affected: yes. Study: VKGL Data-share Consensus. Not counted in ClinVar's aggregate classification.

Literature cited by the submitters: PubMed 18784102 (cited by Mayo Clinic Laboratories, Mayo Clinic and OMIM); PubMed 22628548 (cited by Mayo Clinic Laboratories, Mayo Clinic); PubMed 26787776 (cited by Mayo Clinic Laboratories, Mayo Clinic); PubMed 31672324 (cited by Mayo Clinic Laboratories, Mayo Clinic).

NM_004252.5(NHERF1):c.328C>G (p.Leu110Val)

Genes: NHERF1 (NHERF family PDZ scaffold protein 1; plus strand), SLC9A3R1-AS1 (SLC9A3R1 antisense RNA 1; minus strand). Cytogenetic location: 17q25.1.
Variant type: single nucleotide variant.
Coding change: c.328C>G on transcript NM_004252.5 (MANE Select); coding-DNA position 328, C replaced by G.
Protein change: p.Leu110Val; replaces leucine 110 with valine.
Molecular consequence: missense variant.
Genome position (GRCh38, 1-based): chr17:74,749,174, C>G. VCF-style: chr17-74749174-C-G. GRCh37 (hg19) VCF-style: chr17-72745313-C-G.
Other names: short protein forms L110V.
Identifiers: ClinVar variation 5270 (VCV000005270.46), dbSNP rs35910969, ClinGen allele CA117368.